The following is an entry in ClinVar:

ClinVar aggregate classification (germline): Uncertain significance. Review status: criteria provided, multiple submitters, no conflicts (2 of 4 stars). 3 submissions from 3 submitters: Uncertain significance (3). Last evaluated 2025-11-26.

Conditions:
Hereditary cancer-predisposing syndrome. Also called: Hereditary Cancer Syndrome; Neoplastic Syndromes, Hereditary; Tumor predisposition; Hereditary neoplastic syndrome. Identifiers: Orphanet 140162, MedGen C0027672, MeSH D009386, MONDO:0015356.
Familial cancer of breast. Also called: BREAST CANCER, FAMILIAL; Hereditary breast cancer; hereditary breast carcinoma. Identifiers: Orphanet 227535, MedGen C0346153, MONDO:0016419, OMIM 114480. Disease mechanism: loss of function.

Submissions (3):

Labcorp Genetics (formerly Invitae), Labcorp
Classification: Uncertain significance for Familial cancer of breast. Last evaluated: 2025-11-26. Review status: criteria provided, single submitter. Criteria: Invitae Variant Classification Sherloc (09022015). Collection method: clinical testing. Allele origin: germline.
Comment: This variant, c.1550_1552del, results in the deletion of 1 amino acid(s) of the CHEK2 protein (p.Thr517del), but otherwise preserves the integrity of the reading frame. This variant is not present in population databases (gnomAD no frequency). This variant has not been reported in the literature in individuals affected with CHEK2-related conditions. ClinVar contains an entry for this variant (Variation ID: 479595). Experimental studies and prediction algorithms are not available or were not evaluated, and the functional significance of this variant is currently unknown. In summary, the available evidence is currently insufficient to determine the role of this variant in disease. Therefore, it has been classified as a Variant of Uncertain Significance.

Ambry Genetics
Classification: Uncertain significance for Hereditary cancer-predisposing syndrome. Last evaluated: 2024-10-04. Review status: criteria provided, single submitter. Criteria: Ambry Variant Classification Scheme 2023. Collection method: clinical testing. Allele origin: germline.
Comment: The c.1550_1552delCTA variant (also known as p.T517del) is located in coding exon 14 of the CHEK2 gene. This variant results from an in-frame CTA deletion at nucleotide positions 1550 to 1552. This results in the in-frame deletion of a threonine at codon 517. This amino acid position is highly conserved in available vertebrate species. In addition, the in silico prediction for this alteration is inconclusive (Choi Y et al. PLoS ONE. 2012; 7(10):e46688). Based on the available evidence, the clinical significance of this variant remains unclear.

Color Diagnostics, LLC DBA Color Health
Classification: Uncertain significance for Hereditary cancer-predisposing syndrome. Last evaluated: 2021-06-10. Review status: criteria provided, single submitter. Criteria: ACMG Guidelines, 2015. Collection method: clinical testing. Allele origin: germline.
Comment: This variant is a 3 nucleotide deletion located in exon 15 the CHEK2 gene and results in an in-frame deletion of threonine at codon 517 of the CHEK2 protein. To our knowledge, functional studies have not been reported for this variant. This variant has not been reported in individuals affected with hereditary cancer in the literature. This variant has not been identified in the general population by the Genome Aggregation Database (gnomAD). The available evidence is insufficient to determine the role of this variant in disease conclusively. Therefore, this variant is classified as a Variant of Uncertain Significance.

NM_007194.4(CHEK2):c.1547CTA[1] (p.Thr517del)

Gene: CHEK2 (checkpoint kinase 2; minus strand). Cytogenetic location: 22q12.1.
Variant type: Microsatellite.
Coding change: c.1547CTA[1] on transcript NM_007194.4 (MANE Select); one copy of the 3-base unit CTA starting at c.1547; the reference has two copies in a row; one copy, 3 bases deleted.
Protein change: p.Thr517del; deletes threonine 517.
Molecular consequence: inframe deletion. On other transcripts: inframe indel (4).
Genome position (GRCh38, 1-based): chr22:28,687,977-28,687,979, TAG deleted on the plus strand (CTA on the coding strand, the reverse complement: CHEK2 is on the minus strand); deleting any 3 consecutive bases within chr22:28,687,977-28,687,982 gives the same sequence; the position shown is the placement nearest the transcript's 3' end. VCF-style (leftmost placement, unchanged base first): chr22-28687976-CTAG-C. GRCh37 (hg19) VCF-style: chr22-29083964-CTAG-C.
Other names: c.1550_1552delCTA (NM_007194.3); c.1676_1678CTA[1], p.Thr560del (NM_001005735.3); c.884_886CTA[1], p.Thr296del (NM_001257387.3); c.1346_1348CTA[1], p.Thr450del (NM_001349956.3); c.1460_1462CTA[1], p.Thr488del (NM_145862.3); short protein forms T517del, T450del, T560del, T296del, T488del.
Identifiers: ClinVar variation 479595 (VCV000479595.18), dbSNP rs1555911626, ClinGen allele CA658656808.